The following is an entry in ClinVar:

NM_021830.5(TWNK):c.1399C>T (p.Gln467Ter)

Gene: TWNK (twinkle mtDNA helicase; plus strand). Cytogenetic location: 10q24.31.
Variant type: single nucleotide variant.
Coding change: c.1399C>T on transcript NM_021830.5 (MANE Select); coding-DNA position 1399, C replaced by T.
Protein change: p.Gln467Ter; replaces glutamine 467 with a stop codon.
Molecular consequence: nonsense. On other transcripts: non-coding transcript variant (5).
Genome position (GRCh38, 1-based): chr10:100,989,799, C>T. VCF-style: chr10-100989799-C-T. GRCh37 (hg19) VCF-style: chr10-102749556-C-T.
Other names: c.1399C>T, p.Gln467Ter (NM_001163812.2); c.37C>T, p.Gln13Ter (NM_001163813.2, NM_001163814.2, NM_001368275.1); short protein forms Q13*, Q467*.
Identifiers: ClinVar variation 3382359 (VCV003382359.2).
Genomic context (GRCh38, chr10:100,989,799, plus strand): 5'-AGCAATGTGAGACTAGCCCGGGTCATGCTGACACAGTTTGCCGAGGGGCGGCTGGAAGAT[C>T]AACTGGACAAATATGATCACTGGGCTGACCGCTTTGAGGACCTGCCCCTCTATTTCATGA-3'

ClinVar aggregate classification (germline): Likely pathogenic (1 of 4 stars; one submission).

Conditions:
Infantile onset spinocerebellar ataxia (MTDPS7). Also called: OHAHA SYNDROME; SPINOCEREBELLAR ATAXIA, INFANTILE, WITH SENSORY NEUROPATHY; OPHTHALMOPLEGIA, HYPOTONIA, ATAXIA, HYPOACUSIS, AND ATHETOSIS; Mitochondrial DNA depletion syndrome 7 (hepatocerebral type). Identifiers: Orphanet 1186, MedGen C1849096, MONDO:0010060, OMIM 271245.
Progressive external ophthalmoplegia with mitochondrial DNA deletions, autosomal dominant 3. Also called: PROGRESSIVE EXTERNAL OPHTHALMOPLEGIA, AUTOSOMAL DOMINANT 3. Identifiers: MedGen C1836439, MONDO:0012241, OMIM 609286.
Perrault syndrome 5 (PRLTS5). Identifiers: Orphanet 2855, MedGen C4015307, MONDO:0014504, OMIM 616138.

Submission:

Juno Genomics, Hangzhou Juno Genomics, Inc
Classification: Likely pathogenic for Infantile onset spinocerebellar ataxia; Perrault syndrome 5; Progressive external ophthalmoplegia with mitochondrial DNA deletions, autosomal dominant 3. Review status: criteria provided, single submitter. Criteria: ACMG Guidelines, 2015. Collection method: clinical testing. Allele origin: germline. Affected: yes.
Comment: Absent from controls (or at extremely low frequency if recessive) in Genome Aggregation Database, Exome Sequencing Project, 1000 Genomes Project, or Exome Aggregation Consortium.;Null variant in a gene where loss of function (LOF) is a known mechanism of disease.